The following is an entry in ClinVar:

NM_002474.3(MYH11):c.4550T>A (p.Val1517Asp)

Genes: NDE1 (nudE neurodevelopment protein 1; plus strand), MYH11 (myosin heavy chain 11; minus strand). Cytogenetic location: 16p13.11.
Variant type: single nucleotide variant.
Coding change: c.4550T>A on transcript NM_002474.3 (MANE Select); coding-DNA position 4550, T replaced by A.
Protein change: p.Val1517Asp; replaces valine 1517 with aspartic acid.
Molecular consequence: missense variant. On other transcripts: intron variant (2).
Genome position (GRCh38, 1-based): chr16:15,721,450, A>T on the plus strand (T>A on the coding strand, the complement: MYH11 is on the minus strand). VCF-style: chr16-15721450-A-T. GRCh37 (hg19) VCF-style: chr16-15815307-A-T.
Other names: c.4571T>A, p.Val1524Asp (NM_001040113.2, NM_001040114.2); c.4550T>A, p.Val1517Asp (NM_022844.3); c.948-2741A>T (NM_001143979.2, NM_017668.3); short protein forms V1524D, V1517D.
Identifiers: ClinVar variation 3718799 (VCV003718799.2).

ClinVar aggregate classification (germline): Uncertain significance (1 of 4 stars; one submission).

Conditions:
Aortic aneurysm, familial thoracic 4 (AAT4). Also called: AORTIC ANEURYSM/AORTIC DISSECTION AND PATENT DUCTUS ARTERIOSUS. Identifiers: MedGen C1851504, MONDO:0007568, OMIM 132900.

Submission:

Labcorp Genetics (formerly Invitae), Labcorp
Classification: Uncertain significance for Aortic aneurysm, familial thoracic 4. Last evaluated: 2024-10-08. Review status: criteria provided, single submitter. Criteria: Invitae Variant Classification Sherloc (09022015). Collection method: clinical testing. Allele origin: germline.
Comment: This sequence change replaces valine, which is neutral and non-polar, with aspartic acid, which is acidic and polar, at codon 1524 of the MYH11 protein (p.Val1524Asp). This variant is not present in population databases (gnomAD no frequency). This variant has not been reported in the literature in individuals affected with MYH11-related conditions. Invitae Evidence Modeling of protein sequence and biophysical properties (such as structural, functional, and spatial information, amino acid conservation, physicochemical variation, residue mobility, and thermodynamic stability) indicates that this missense variant is not expected to disrupt MYH11 protein function with a negative predictive value of 95%. In summary, the available evidence is currently insufficient to determine the role of this variant in disease. Therefore, it has been classified as a Variant of Uncertain Significance.